The following is an entry in ClinVar:

ClinVar aggregate classification (germline): Pathogenic. Review status: criteria provided, multiple submitters, no conflicts (2 of 4 stars). 3 submissions from 3 submitters: Pathogenic (2). 1 of the submissions does not count toward it. Last evaluated 2025-06-09.

Conditions:
Maple syrup urine disease type 1A (MSUD1A). Also called: MSUD type 1A. Identifiers: MedGen C1855369, MONDO:0023691, OMIM 248600.
Maple syrup urine disease (MSUD). Identifiers: Orphanet 511, MedGen C0024776, MeSH D008375, MONDO:0009563. Disease mechanism: loss of function.
Maple syrup urine disease type 1B (MSUD1B). Also called: MSUD type IB; MSUD type 3 (formerly); MSUD due to deficiency of e1-beta subunit of branched-chain alpha-keto acid dehydrogenase complex. Identifiers: MedGen C2930990, MONDO:0023692, OMIM 620698.

Submissions (3):

Natera, Inc.
Classification: Pathogenic for Maple syrup urine disease type 1B. Last evaluated: 2025-06-09. Review status: criteria provided, single submitter. Criteria: Natera Variant Classification Schema (03/2026). Collection method: clinical testing. Allele origin: germline.
Comment: The c.811_824del variant in BCKDHB is a frameshift variant predicted to shift the reading frame beginning at codon 271 and leads to a stop codon 25 codons downstream. This variant is expected to result in nonsense mediated decay, truncation, or a dysfunctional protein product. This variant is rare in the general population with a frequency below the threshold expected for the associated phenotype(s). This variant has been observed in one or more individuals affected with the associated recessive disease, as either homozygous or compound heterozygous with a second variant (PMID: 17922217). Given the available evidence, this variant is classified as Pathogenic.

Labcorp Genetics (formerly Invitae), Labcorp
Classification: Pathogenic for Maple syrup urine disease. Last evaluated: 2022-08-30. Review status: criteria provided, single submitter. Criteria: Invitae Variant Classification Sherloc (09022015). Collection method: clinical testing. Allele origin: germline.
Comment: ClinVar contains an entry for this variant (Variation ID: 557213). This sequence change creates a premature translational stop signal (p.Asp271Cysfs*25) in the BCKDHB gene. It is expected to result in an absent or disrupted protein product. Loss-of-function variants in BCKDHB are known to be pathogenic (PMID: 16786533, 22593002). This variant is not present in population databases (gnomAD no frequency). This premature translational stop signal has been observed in individual(s) with maple syrup urine disease (PMID: 17922217). This variant is also known as c.808_821del, p.Ser270_Leu274del. For these reasons, this variant has been classified as Pathogenic.

Counsyl
Classification: Likely pathogenic for Maple syrup urine disease type 1A. Last evaluated: 2018-03-19. Review status: no assertion criteria provided. Collection method: clinical testing. Allele origin: unknown. Not counted in ClinVar's aggregate classification.

Literature cited by the submitters: PubMed 17922217 (cited by 3 submitters); PubMed 16786533 (cited by Labcorp Genetics (formerly Invitae), Labcorp); PubMed 22593002 (cited by Labcorp Genetics (formerly Invitae), Labcorp).

NM_183050.4(BCKDHB):c.811_824del (p.Asp271fs)

Gene: BCKDHB (branched chain keto acid dehydrogenase E1 subunit beta; plus strand). Cytogenetic location: 6q14.1.
Variant type: Deletion.
Coding change: c.811_824del on transcript NM_183050.4 (MANE Select); coding-DNA positions 811 to 824, 14 bases deleted (GATGTTACTCTAGT).
Protein change: p.Asp271fs; shifts the reading frame from aspartic acid 271.
Molecular consequence: frameshift variant. On other transcripts: non-coding transcript variant (1).
Genome position (GRCh38, 1-based): chr6:80,201,002-80,201,015, GATGTTACTCTAGT deleted; deleting any 14 consecutive bases within chr6:80,200,999-80,201,015 gives the same sequence; the c. name uses the placement nearest the transcript's 3' end. VCF-style (leftmost placement, unchanged base first): chr6-80200998-GAGTGATGTTACTCT-G. GRCh37 (hg19) VCF-style: chr6-80910715-GAGTGATGTTACTCT-G.
Other names: c.811_824del, p.Asp271fs (NM_000056.5); c.601_614del, p.Asp201fs (NM_001318975.1); c.811_824del (NM_183050.3); short protein forms D201fs, D271fs.
Identifiers: ClinVar variation 557213 (VCV000557213.7), dbSNP rs1554194690, ClinGen allele CA658822037.
Genomic context (GRCh38, chr6:80,200,998, plus strand): 5'-AGAAGTCCCTATAGAACCATACAACATCCCACTGTCCCAGGCCGAAGTCATACAGGAAGG[GAGTGATGTTACTCT>G]AGTTGCCTGGGGCACTCAGGTGAGTAGCATTGATCCCAACTGTTAAAACCTACGTTGTGC-3'